The following is an entry in ClinVar:

NM_007078.3(LDB3):c.1687C>T (p.Leu563=)

Gene: LDB3 (LIM domain binding 3; plus strand). Cytogenetic location: 10q23.2.
Variant type: single nucleotide variant.
Coding change: c.1687C>T on transcript NM_007078.3 (MANE Select); coding-DNA position 1687, C replaced by T.
Protein change: p.Leu563=; no amino-acid change (leucine 563 retained).
Molecular consequence: synonymous variant.
Genome position (GRCh38, 1-based): chr10:86,717,974, C>T. VCF-style: chr10-86717974-C-T. GRCh37 (hg19) VCF-style: chr10-88477731-C-T.
Other names: c.1357C>T, p.Leu453= (NM_001080114.2); c.1702C>T, p.Leu568= (NM_001171610.2); c.1498C>T, p.Leu500= (NM_001368064.1, NM_001368065.1); c.1546C>T, p.Leu516= (NM_001368066.1).
Identifiers: ClinVar variation 3664513 (VCV003664513.2).

ClinVar aggregate classification (germline): Uncertain significance (1 of 4 stars; one submission).

Conditions:
Myofibrillar myopathy 4. Also called: Zaspopathy (type). Identifiers: Orphanet 98912, MedGen C4721886, MONDO:0012277, OMIM 609452.

gnomAD v4.1: 2 of 1,614,090 alleles (0.00012%); highest among the groups gnomAD compares: Non-Finnish European, 0.00017%; no homozygotes.

Submission:

Labcorp Genetics (formerly Invitae), Labcorp
Classification: Uncertain significance for Myofibrillar myopathy 4. Last evaluated: 2024-09-04. Review status: criteria provided, single submitter. Criteria: Invitae Variant Classification Sherloc (09022015). Collection method: clinical testing. Allele origin: germline.
Comment: The LDB3 gene has multiple clinically relevant transcripts. This variant occurs in alternate transcript NM_007078.3, and corresponds to NM_001080116.1:c.*18600C>T (Non-coding) in the primary transcript. This sequence change affects codon 563 of the LDB3 mRNA. It is a 'silent' change, meaning that it does not change the encoded amino acid sequence of the LDB3 protein. This variant is not present in population databases (gnomAD no frequency). This variant has not been reported in the literature in individuals affected with LDB3-related conditions. Experimental studies and prediction algorithms are not available or were not evaluated, and the effect of this variant on mRNA splicing is currently unknown. In summary, the available evidence is currently insufficient to determine the role of this variant in disease. Therefore, it has been classified as a Variant of Uncertain Significance.